The following is an entry in ClinVar:

ClinVar aggregate classification (germline): Benign. Review status: criteria provided, single submitter (1 of 4 stars). 2 submissions from 2 submitters: Benign (1). 1 of the submissions does not count toward it. Last evaluated 2026-07-01.

Allele frequency attached by ClinVar (database versions not stated): 1000 Genomes Project 30x 0.00031; ExAC 0.00031; gnomAD exomes 0.00031 and 0.00053; gnomAD 0.00038; 1000 Genomes Project 0.00040; TOPMed 0.00042; ESP Exome Variant Server 0.00062.

Submissions (2):

CeGaT Center for Human Genetics Tuebingen
Classification: Benign. Last evaluated: 2026-07-01. Review status: criteria provided, single submitter. Criteria: CeGaT Center For Human Genetics Tuebingen Variant Classification Criteria Version 2. Collection method: clinical testing. Allele origin: germline. Affected: yes. Observed: 3 variant alleles.
Comment: ARID2: BS1, BS2

ITMI
No classification provided. Condition: AllHighlyPenetrant. Last evaluated: 2013-09-19. Review status: no classification provided. Collection method: reference population. Allele origin: germline. Not counted in ClinVar's aggregate classification.
Comment: Please see associated publication for description of ethnicities

Literature cited by the submitters: PubMed 24728327 (cited by ITMI).

NM_152641.4(ARID2):c.292G>A (p.Glu98Lys)

Gene: ARID2 (AT-rich interaction domain 2; plus strand). Cytogenetic location: 12q12.
Variant type: single nucleotide variant.
Coding change: c.292G>A on transcript NM_152641.4 (MANE Select); coding-DNA position 292, G replaced by A.
Protein change: p.Glu98Lys; replaces glutamic acid 98 with lysine.
Molecular consequence: missense variant.
Genome position (GRCh38, 1-based): chr12:45,811,425, G>A. VCF-style: chr12-45811425-G-A. GRCh37 (hg19) VCF-style: chr12-46205208-G-A.
Other names: c.292G>A, p.Glu98Lys (NM_001347839.2); short protein forms E98K.
Identifiers: ClinVar variation 133574 (VCV000133574.32), dbSNP rs140285438, ClinGen allele CA156976.